The following is an entry in ClinVar:

NM_205836.3(FBXO38):c.1862G>A (p.Arg621His)

Gene: FBXO38 (F-box protein 38; plus strand). Cytogenetic location: 5q32.
Variant type: single nucleotide variant.
Coding change: c.1862G>A on transcript NM_205836.3 (MANE Select); coding-DNA position 1862, G replaced by A.
Protein change: p.Arg621His; replaces arginine 621 with histidine.
Molecular consequence: missense variant.
Genome position (GRCh38, 1-based): chr5:148,425,645, G>A. VCF-style: chr5-148425645-G-A. GRCh37 (hg19) VCF-style: chr5-147805208-G-A.
Other names: c.1862G>A, p.Arg621His (NM_001271723.2, NM_030793.5); short protein forms R621H.
Identifiers: ClinVar variation 473950 (VCV000473950.34), dbSNP rs199901955, ClinGen allele CA3497400.

ClinVar aggregate classification (germline): Conflicting classifications of pathogenicity. Review status: criteria provided, conflicting classifications (1 of 4 stars). 5 submissions from 5 submitters: Uncertain significance (1); Likely benign (4). Last evaluated 2026-04-27.

Conditions:
Distal hereditary motor neuropathy type 2. Identifiers: Orphanet 139525, MedGen C3711384, MeSH C580044, MONDO:0015352.
FBXO38-related disorder. Also called: FBXO38-related condition.

Allele frequency attached by ClinVar (database versions not stated): ExAC 0.00012; gnomAD 0.00014; gnomAD exomes 0.00014; ESP Exome Variant Server 0.00015; TOPMed 0.00017.
gnomAD v4.1: 107 of 1,613,862 alleles (0.0066%); highest among the groups gnomAD compares: Admixed American, 0.072%; no homozygotes.

Submissions (5):

PreventionGenetics, part of Exact Sciences
Classification: Likely benign for FBXO38-related condition. Last evaluated: 2026-04-27. Review status: criteria provided, single submitter. Criteria: ACMG Guidelines, 2015. Collection method: clinical testing. Allele origin: germline.
Comment: This variant is classified as likely benign based on ACMG/AMP sequence variant interpretation guidelines (Richards et al. 2015 PMID: 25741868, with internal and published modifications).

Women's Health and Genetics/Laboratory Corporation of America, LabCorp
Classification: Likely benign. Last evaluated: 2026-02-03. Review status: criteria provided, single submitter. Criteria: LabCorp Variant Classification Summary - May 2015. Collection method: clinical testing. Allele origin: germline.
Comment: Variant summary: FBXO38 c.1862G>A (p.Arg621His) results in a non-conservative amino acid change in the encoded protein sequence. Algorithms developed to predict the effect of missense changes on protein structure and function are either unavailable or do not agree on the potential impact of this missense change. The variant allele was found at a frequency of 0.00014 in 250970 control chromosomes. The observed variant frequency exceeds the estimated maximal expected allele frequency for disease-causing variants in FBXO38. To our knowledge, no occurrence of c.1862G>A in individuals affected with FBXO38-related conditions and no experimental evidence demonstrating its impact on protein function have been reported. ClinVar contains an entry for this variant (Variation ID: 473950). Based on the evidence outlined above, the variant was classified as likely benign.

Labcorp Genetics (formerly Invitae), Labcorp
Classification: Uncertain significance for Distal hereditary motor neuropathy type 2. Last evaluated: 2026-01-14. Review status: criteria provided, single submitter. Criteria: Invitae Variant Classification Sherloc (09022015). Collection method: clinical testing. Allele origin: germline.
Comment: This sequence change replaces arginine, which is basic and polar, with histidine, which is basic and polar, at codon 621 of the FBXO38 protein (p.Arg621His). This variant is present in population databases (rs199901955, gnomAD 0.07%), and has an allele count higher than expected for a pathogenic variant. This variant has not been reported in the literature in individuals affected with FBXO38-related conditions. ClinVar contains an entry for this variant (Variation ID: 473950). Invitae Evidence Modeling of protein sequence and biophysical properties (such as structural, functional, and spatial information, amino acid conservation, physicochemical variation, residue mobility, and thermodynamic stability) indicates that this missense variant is not expected to disrupt FBXO38 protein function with a negative predictive value of 80%. In summary, the available evidence is currently insufficient to determine the role of this variant in disease. Therefore, it has been classified as a Variant of Uncertain Significance.

CeGaT Center for Human Genetics Tuebingen
Classification: Likely benign. Last evaluated: 2024-06-01. Review status: criteria provided, single submitter. Criteria: CeGaT Center For Human Genetics Tuebingen Variant Classification Criteria Version 2. Collection method: clinical testing. Allele origin: germline. Affected: yes. Observed: 1 variant allele.
Comment: FBXO38: BP4

Ambry Genetics
Classification: Likely benign. Last evaluated: 2021-04-27. Review status: criteria provided, single submitter. Criteria: Ambry Variant Classification Scheme 2023. Collection method: clinical testing. Allele origin: germline.